The following is an entry in ClinVar:

NM_004168.4(SDHA):c.1917G>T (p.Leu639=)

Gene: SDHA (succinate dehydrogenase complex flavoprotein subunit A; plus strand). Cytogenetic location: 5p15.33.
Variant type: single nucleotide variant.
Coding change: c.1917G>T on transcript NM_004168.4 (MANE Select); coding-DNA position 1917, G replaced by T.
Protein change: p.Leu639=; no amino-acid change (leucine 639 retained).
Molecular consequence: synonymous variant.
Genome position (GRCh38, 1-based): chr5:256,342, G>T. VCF-style: chr5-256342-G-T. GRCh37 (hg19) VCF-style: chr5-256457-G-T.
Other names: c.1773G>T, p.Leu591= (NM_001294332.2); c.1674G>T, p.Leu558= (NM_001330758.2).
Identifiers: ClinVar variation 3904522 (VCV003904522.2).

ClinVar aggregate classification (germline): Benign/Likely benign. Review status: criteria provided, multiple submitters, no conflicts (2 of 4 stars). 2 submissions from 2 submitters: Benign (1); Likely benign (1). Last evaluated 2025-04-23.

Conditions:
Mitochondrial complex II deficiency, nuclear type 1. Also called: SUCCINATE CoQ REDUCTASE DEFICIENCY. Identifiers: Orphanet 3208, MedGen C5700310, MONDO:0100294, OMIM 252011.
Pheochromocytoma/paraganglioma syndrome 5. Also called: Paragangliomas 5; SDHA-Related Hereditary Paraganglioma-Pheochromocytoma Syndrome. Identifiers: Orphanet 29072, MedGen C3279992, MONDO:0013602, OMIM 614165.

Submissions (2):

Labcorp Genetics (formerly Invitae), Labcorp
Classification: Likely benign for Pheochromocytoma/paraganglioma syndrome 5; Mitochondrial complex II deficiency, nuclear type 1. Last evaluated: 2025-04-23. Review status: criteria provided, single submitter. Criteria: Invitae Variant Classification Sherloc (09022015). Collection method: clinical testing. Allele origin: germline.

Myriad Genetics, Inc.
Classification: Benign for Pheochromocytoma/paraganglioma syndrome 5. Last evaluated: 2025-03-11. Review status: criteria provided, single submitter. Criteria: Myriad Autosomal Dominant, Autosomal Recessive and X-Linked Classification Criteria (2023). Collection method: clinical testing. Allele origin: unknown.
Comment: This variant is considered benign. This variant is a silent/synonymous amino acid change and it is not expected to impact splicing.